The following is an entry in ClinVar:

ClinVar aggregate classification (germline): Uncertain significance (1 of 4 stars; one submission).

gnomAD v4.1: 9 of 1,614,106 alleles (0.00056%); highest among the groups gnomAD compares: Non-Finnish European, 0.00076%; no homozygotes.

Submission:

Labcorp Genetics (formerly Invitae), Labcorp
Classification: Uncertain significance. Last evaluated: 2021-12-02. Review status: criteria provided, single submitter. Criteria: Invitae Variant Classification Sherloc (09022015). Collection method: clinical testing. Allele origin: germline.
Comment: This variant has not been reported in the literature in individuals affected with NDUFS3-related conditions. In summary, the available evidence is currently insufficient to determine the role of this variant in disease. Therefore, it has been classified as a Variant of Uncertain Significance. Algorithms developed to predict the effect of sequence changes on RNA splicing suggest that this variant may disrupt the consensus splice site. This variant is not present in population databases (gnomAD no frequency). This sequence change affects a donor splice site in intron 4 of the NDUFS3 gene. It is expected to disrupt RNA splicing. Variants that disrupt the donor or acceptor splice site typically lead to a loss of protein function (PMID: 16199547), however the current clinical and genetic evidence is not sufficient to establish whether loss-of-function variants in NDUFS3 cause disease.

Literature cited by the submitters: PubMed 16199547.

NM_004551.3(NDUFS3):c.381+2T>C

Gene: NDUFS3 (NADH:ubiquinone oxidoreductase core subunit S3; plus strand). Cytogenetic location: 11p11.2.
Variant type: single nucleotide variant.
Coding change: c.381+2T>C on transcript NM_004551.3 (MANE Select); the canonical splice donor site of the intron after coding-DNA position 381, T replaced by C.
Molecular consequence: splice donor variant.
Genome position (GRCh38, 1-based): chr11:47,580,986, T>C. VCF-style: chr11-47580986-T-C. GRCh37 (hg19) VCF-style: chr11-47602538-T-C.
Identifiers: ClinVar variation 1360407 (VCV001360407.7), dbSNP rs2153795340, ClinGen allele CA380359421.
Genomic context (GRCh38, chr11:47,580,986, plus strand): 5'-TCAAATCTCTGGTTGACTTGACAGCAGTGGACGTCCCAACTCGGCAAAACCGTTTTGAGG[T>C]CAGTTGGGAGATCTGAGAAGGTTTTGGGGGTAAGGATATTAATTTCAGTTTGTAACATAC-3'